The following is an entry in ClinVar:

ClinVar aggregate classification (germline): Uncertain significance (1 of 4 stars; one submission).

Conditions:
Curry-Hall syndrome (WAD). Also called: WEYERS ACRODENTAL DYSOSTOSIS. Identifiers: Orphanet 952, MedGen C0457013, MONDO:0008673, OMIM 193530.
Ellis-van Creveld syndrome (EVC). Also called: MESOECTODERMAL DYSPLASIA; EVC-Related Ellis-van Creveld Syndrome; EVC2-Related Ellis-van Creveld Syndrome; Chondroectodermal dysplasia. Identifiers: Orphanet 289, MedGen C0013903, MONDO:0009162, OMIM 225500.

Allele frequency attached by ClinVar (database versions not stated): TOPMed 0.00001; ExAC 0.00003.
gnomAD v4.1: 5 of 1,571,002 alleles (0.00032%); highest among the groups gnomAD compares: Admixed American, 0.0084%; no homozygotes.

Submission:

Labcorp Genetics (formerly Invitae), Labcorp
Classification: Uncertain significance for Curry-Hall syndrome; Ellis-van Creveld syndrome. Last evaluated: 2022-08-20. Review status: criteria provided, single submitter. Criteria: Invitae Variant Classification Sherloc (09022015). Collection method: clinical testing. Allele origin: germline.
Comment: This sequence change replaces methionine, which is neutral and non-polar, with isoleucine, which is neutral and non-polar, at codon 242 of the EVC protein (p.Met242Ile). This variant is present in population databases (rs759147384, gnomAD 0.009%). This variant has not been reported in the literature in individuals affected with EVC-related conditions. Algorithms developed to predict the effect of missense changes on protein structure and function output the following: SIFT: "Tolerated"; PolyPhen-2: "Benign"; Align-GVGD: "Class C0". The isoleucine amino acid residue is found in multiple mammalian species, which suggests that this missense change does not adversely affect protein function. In summary, the available evidence is currently insufficient to determine the role of this variant in disease. Therefore, it has been classified as a Variant of Uncertain Significance.

NM_153717.3(EVC):c.726G>A (p.Met242Ile)

Gene: EVC (EvC ciliary complex subunit 1; plus strand). Cytogenetic location: 4p16.2.
Variant type: single nucleotide variant.
Coding change: c.726G>A on transcript NM_153717.3 (MANE Select); coding-DNA position 726, G replaced by A.
Protein change: p.Met242Ile; replaces methionine 242 with isoleucine.
Molecular consequence: missense variant.
Genome position (GRCh38, 1-based): chr4:5,741,739, G>A. VCF-style: chr4-5741739-G-A. GRCh37 (hg19) VCF-style: chr4-5743466-G-A.
Other names: c.726G>A, p.Met242Ile (NM_001306092.2, NM_001306090.2); short protein forms M242I.
Identifiers: ClinVar variation 2139541 (VCV002139541.1), dbSNP rs759147384, ClinGen allele CA2835832.